The following is an entry in ClinVar:

NM_007294.4(BRCA1):c.2477del (p.Thr826fs)

Gene: BRCA1 (BRCA1 DNA repair associated; minus strand). Cytogenetic location: 17q21.31.
Variant type: Deletion.
Coding change: c.2477del on transcript NM_007294.4 (MANE Select); coding-DNA position 2477, one base deleted (C; older notation c.2477delC).
Protein change: p.Thr826fs; shifts the reading frame from threonine 826.
Molecular consequence: frameshift variant. On other transcripts: intron variant (137).
Genome position (GRCh38, 1-based): chr17:43,093,054, G deleted on the plus strand (C on the coding strand, the reverse complement: BRCA1 is on the minus strand). VCF-style (leftmost placement, unchanged base first): chr17-43093053-TG-T. GRCh37 (hg19) VCF-style: chr17-41245070-TG-T.
Other names: 2596delC; c.2477del, p.Thr826fs (NM_001407617.1, NM_001407618.1, NM_001407619.1 and 30 more transcripts); c.2474del, p.Thr825fs (NM_001407627.1, NM_001407628.1, NM_001407629.1 and 22 more transcripts); c.2468del, p.Thr823fs (NM_001407646.1, NM_001407647.1); c.2354del, p.Thr785fs (NM_001407648.1, NM_001407664.1, NM_001407665.1 and 19 more transcripts); c.2351del, p.Thr784fs (NM_001407649.1, NM_001407670.1, NM_001407671.1 and 11 more transcripts); c.2399del, p.Thr800fs (NM_001407653.1, NM_001407654.1, NM_001407655.1 and 4 more transcripts); c.2396del, p.Thr799fs (NM_001407659.1, NM_001407660.1, NM_001407661.1 and 1 more transcripts); and 42 more; short protein forms T779fs, T826fs, T530fs, T738fs, T778fs, T785fs, T699fs, T756fs.
Identifiers: ClinVar variation 54579 (VCV000054579.4), dbSNP rs80357740, ClinGen allele CA001651.

ClinVar aggregate classification (germline): Pathogenic. Review status: reviewed by expert panel (3 of 4 stars). 2 submissions from 2 submitters: Pathogenic (1). 1 of the submissions does not count toward it. Last evaluated 2016-09-08.

Conditions:
Breast-ovarian cancer, familial, susceptibility to, 1 (BROVCA1). Also called: OVARIAN CANCER, SUSCEPTIBILITY TO; BRCA1 Hereditary Breast and Ovarian Cancer. Identifiers: Orphanet 145, MedGen C2676676, MONDO:0011450, OMIM 604370. Disease mechanism: loss of function.

Submissions (2):

Evidence-based Network for the Interpretation of Germline Mutant Alleles (ENIGMA)
Classification: Pathogenic for Breast-ovarian cancer, familial, susceptibility to, 1. Last evaluated: 2016-09-08. Review status: reviewed by expert panel. Criteria: ENIGMA BRCA1/2 Classification Criteria (2015). Collection method: curation. Allele origin: germline.
Comment: Variant allele predicted to encode a truncated non-functional protein.

Breast Cancer Information Core (BIC) (BRCA1)
Classification: Pathogenic for Breast-ovarian cancer, familial 1. Last evaluated: 1999-04-06. Review status: no assertion criteria provided. Collection method: clinical testing. Allele origin: germline. Affected: yes. Observed: 2 variant alleles. Not counted in ClinVar's aggregate classification.